The following is an entry in ClinVar:

ClinVar aggregate classification (germline): Uncertain significance (1 of 4 stars; one submission).

Conditions:
Hereditary sensory and autonomic neuropathy type 6. Also called: HSAN VI; Neuropathy, hereditary sensory and autonomic, type VI. Identifiers: Orphanet 314381, MedGen C3539003, MONDO:0013839, OMIM 614653.
Epidermolysis bullosa simplex 3, localized or generalized intermediate, with BP230 deficiency (EBS3). Also called: Epidermolysis bullosa simplex, autosomal recessive 2; Epidermolysis bullosa simplex due to BP230 deficiency. Identifiers: Orphanet 412181, MedGen C3809470, MONDO:0014180, OMIM 615425.

Allele frequency attached by ClinVar (database versions not stated): gnomAD exomes below 0.00001 and 0.00001; TOPMed below 0.00001; ExAC 0.00001; gnomAD 0.00001.
gnomAD v4.1: 4 of 1,612,816 alleles (0.00025%); highest among the groups gnomAD compares: Non-Finnish European, 0.00034%; no homozygotes.

Submission:

Labcorp Genetics (formerly Invitae), Labcorp
Classification: Uncertain significance for Epidermolysis bullosa simplex 3, localized or generalized intermediate, with BP230 deficiency; Hereditary sensory and autonomic neuropathy type 6. Last evaluated: 2022-01-14. Review status: criteria provided, single submitter. Criteria: Invitae Variant Classification Sherloc (09022015). Collection method: clinical testing. Allele origin: germline.
Comment: This sequence change replaces threonine, which is neutral and polar, with isoleucine, which is neutral and non-polar, at codon 855 of the DST protein (p.Thr855Ile). In summary, the available evidence is currently insufficient to determine the role of this variant in disease. Therefore, it has been classified as a Variant of Uncertain Significance. Algorithms developed to predict the effect of missense changes on protein structure and function (SIFT, PolyPhen-2, Align-GVGD) all suggest that this variant is likely to be disruptive. This variant has not been reported in the literature in individuals affected with DST-related conditions. This variant is present in population databases (rs760953740, gnomAD 0.0009%).

NM_001374736.1(DST):c.4175C>T (p.Thr1392Ile)

Gene: DST (dystonin; minus strand). Cytogenetic location: 6p12.1.
Variant type: single nucleotide variant.
Coding change: c.4175C>T on transcript NM_001374736.1 (MANE Select); coding-DNA position 4175, C replaced by T.
Protein change: p.Thr1392Ile; replaces threonine 1392 with isoleucine.
Molecular consequence: missense variant.
Genome position (GRCh38, 1-based): chr6:56,630,351, G>A on the plus strand (C>T on the coding strand, the complement: DST is on the minus strand). VCF-style: chr6-56630351-G-A. GRCh37 (hg19) VCF-style: chr6-56495149-G-A.
Other names: c.4076C>T, p.Thr1359Ile (NM_001144769.5); c.3662C>T, p.Thr1221Ile (NM_001144770.2); c.4175C>T, p.Thr1392Ile (NM_001374722.1); c.3542C>T, p.Thr1181Ile (NM_001374729.1, NM_001374730.1, NM_001386100.1 and 1 more transcripts); c.4202C>T, p.Thr1401Ile (NM_001374734.1); c.2564C>T, p.Thr855Ile (NM_001723.7, NM_015548.5); short protein forms T1221I, T1359I, T1401I, T855I, T1181I, T1392I.
Identifiers: ClinVar variation 1416388 (VCV001416388.9), dbSNP rs760953740, ClinGen allele CA3870952.